The following is an entry in ClinVar:

ClinVar aggregate classification (germline): Uncertain significance. Review status: criteria provided, multiple submitters, no conflicts (2 of 4 stars). 2 submissions from 2 submitters: Uncertain significance (2). Last evaluated 2026-09-22.

Conditions:
INPP5E-related disorder. Also called: INPP5E-related condition.
Joubert syndrome 1 (JBTS1). Also called: Cerebellooculorenal syndrome 1; CEREBELLOPARENCHYMAL DISORDER IV. Identifiers: MedGen C4551568, MONDO:0008944, OMIM 213300.
MORM syndrome (MORMS). Identifiers: Orphanet 75858, MedGen C1857802, MONDO:0012423, OMIM 610156.

Submissions (2):

PreventionGenetics, part of Exact Sciences
Classification: Uncertain significance for INPP5E-related condition. Last evaluated: 2026-09-22. Review status: criteria provided, single submitter. Criteria: ACMG Guidelines, 2015. Collection method: clinical testing. Allele origin: germline.
Comment: The INPP5E c.386C>T variant is predicted to result in the amino acid substitution p.Ser129Phe. To our knowledge, this variant has not been reported in the literature. This variant is reported in 0.0051% of alleles in individuals of European (Non-Finnish) descent in gnomAD. At this time, the clinical significance of this variant is uncertain due to the absence of conclusive functional and genetic evidence.

Fulgent Genetics
Classification: Uncertain significance for Joubert syndrome 1; MORM syndrome. Last evaluated: 2024-02-01. Review status: criteria provided, single submitter. Criteria: ACMG Guidelines, 2015. Collection method: clinical testing. Allele origin: germline.

NM_019892.6(INPP5E):c.386C>T (p.Ser129Phe)

Gene: INPP5E (inositol polyphosphate-5-phosphatase E; minus strand). Cytogenetic location: 9q34.3.
Variant type: single nucleotide variant.
Coding change: c.386C>T on transcript NM_019892.6 (MANE Select); coding-DNA position 386, C replaced by T.
Protein change: p.Ser129Phe; replaces serine 129 with phenylalanine.
Molecular consequence: missense variant.
Genome position (GRCh38, 1-based): chr9:136,439,034, G>A on the plus strand (C>T on the coding strand, the complement: INPP5E is on the minus strand). VCF-style: chr9-136439034-G-A. GRCh37 (hg19) VCF-style: chr9-139333486-G-A.
Other names: c.386C>T, p.Ser129Phe (NM_001318502.2); c.386C>T (NM_019892.5); short protein forms S129F.
Identifiers: ClinVar variation 3596791 (VCV003596791.2).
Genomic context (GRCh38, chr9:136,439,034, plus strand): 5'-CTGCTCAGGACCCCGCGGGACTTGGGGATTTCCTGCAAGGAGGTGCTCAGGCAGGGCGGG[G>A]AGCAGCTGTGGGCGGGGGCCCCGGGGCCCTCGCTCTGCACTGAGCCCCTGGAGGGACTGG-3'
Protein context (NP_063945.2, residues 119-139): EGPGAPAHSC[Ser129Phe]PPCLSTSLQE